The following is an entry in ClinVar:

ClinVar aggregate classification (germline): Conflicting classifications of pathogenicity. Review status: criteria provided, conflicting classifications (1 of 4 stars). 3 submissions from 3 submitters: Uncertain significance (1); Likely benign (1). 1 of the submissions does not count toward it. Last evaluated 2025-12-14.

Conditions:
Joubert syndrome 5 (JBTS5). Identifiers: Orphanet 2318, MedGen C1857780, MONDO:0012432, OMIM 610188.
Leber congenital amaurosis 10 (LCA10). Identifiers: Orphanet 65, MedGen C1857821, MONDO:0012723, OMIM 611755.
Senior-Loken syndrome 6 (SLSN6). Identifiers: Orphanet 3156, MedGen C1857779, MONDO:0012433, OMIM 610189.
Bardet-Biedl syndrome 14 (BBS14). Identifiers: Orphanet 110, MedGen C2673874, MONDO:0014442, OMIM 615991.
Meckel syndrome, type 4 (MKS4). Also called: MECKEL-GRUBER SYNDROME, TYPE 4. Identifiers: Orphanet 564, MedGen C1970161, MONDO:0012626, OMIM 611134.
CEP290-related disorder. Also called: CEP290-related disorders; CEP290-related condition. Identifiers: MedGen CN239314.
Nephronophthisis. Also called: Juvenile Nephronophthisis. Identifiers: Orphanet 655, MedGen C0687120, MONDO:0019005, HP:0000090.
Meckel-Gruber syndrome. Also called: DYSENCEPHALIA SPLANCHNOCYSTICA; GRUBER SYNDROME; Dysencephalia splachnocystica. Identifiers: Orphanet 564, MedGen C0265215, MONDO:0018921.
Joubert syndrome. Also called: CEREBELLOPARENCHYMAL DISORDER IV; JOUBERT-BOLTSHAUSER SYNDROME; Familial aplasia of the vermis. Identifiers: Orphanet 475, MedGen C5979921, MONDO:0018772.

Allele frequency attached by ClinVar (database versions not stated): ExAC 0.00001; gnomAD 0.00001 and 0.00002; gnomAD exomes 0.00002 and 0.00004; TOPMed 0.00003.
gnomAD v4.1: 54 of 1,549,722 alleles (0.0035%); highest among the groups gnomAD compares: Non-Finnish European, 0.0044%; no homozygotes.

Submissions (3):

Labcorp Genetics (formerly Invitae), Labcorp
Classification: Likely benign for Joubert syndrome; Meckel-Gruber syndrome; Nephronophthisis. Last evaluated: 2025-12-14. Review status: criteria provided, single submitter. Criteria: Invitae Variant Classification Sherloc (09022015). Collection method: clinical testing. Allele origin: germline.

Fulgent Genetics
Classification: Uncertain significance for Joubert syndrome 5; Senior-Loken syndrome 6; Meckel syndrome, type 4; Leber congenital amaurosis 10; Bardet-Biedl syndrome 14. Last evaluated: 2024-03-25. Review status: criteria provided, single submitter. Criteria: ACMG Guidelines, 2015. Collection method: clinical testing. Allele origin: germline.

PreventionGenetics, part of Exact Sciences
Classification: Likely benign for CEP290-related condition. Last evaluated: 2020-03-27. Review status: no assertion criteria provided. Collection method: clinical testing. Allele origin: germline. Not counted in ClinVar's aggregate classification.
Comment: This variant is classified as likely benign based on ACMG/AMP sequence variant interpretation guidelines (Richards et al. 2015 PMID: 25741868, with internal and published modifications).

NM_025114.4(CEP290):c.181-9A>G

Gene: CEP290 (centrosomal protein 290; minus strand). Cytogenetic location: 12q21.32.
Variant type: single nucleotide variant.
Coding change: c.181-9A>G on transcript NM_025114.4 (MANE Select); 9 bases into the intron before coding-DNA position 181, A replaced by G.
Molecular consequence: intron variant.
Genome position (GRCh38, 1-based): chr12:88,139,573, T>C on the plus strand (A>G on the coding strand, the complement: CEP290 is on the minus strand). VCF-style: chr12-88139573-T-C. GRCh37 (hg19) VCF-style: chr12-88533350-T-C.
Other names: c.181-9A>G (NM_025114.3).
Identifiers: ClinVar variation 1487834 (VCV001487834.9), dbSNP rs745494615, ClinGen allele CA6712885.